The following is an entry in ClinVar:

ClinVar aggregate classification (germline): Uncertain significance (1 of 4 stars; one submission).

Conditions:
Developmental and epileptic encephalopathy, 30 (DEE30). Also called: Epileptic encephalopathy, early infantile, 30. Identifiers: MedGen C4225360, MONDO:0014595, OMIM 616341.

Submission:

Labcorp Genetics (formerly Invitae), Labcorp
Classification: Uncertain significance for Developmental and epileptic encephalopathy, 30. Last evaluated: 2022-07-12. Review status: criteria provided, single submitter. Criteria: Invitae Variant Classification Sherloc (09022015). Collection method: clinical testing. Allele origin: germline.
Comment: This sequence change creates a premature translational stop signal (p.Gln234*) in the SIK1 gene. It is expected to result in an absent or disrupted protein product. However, the current clinical and genetic evidence is not sufficient to establish whether loss-of-function variants in SIK1 cause disease. This variant is not present in population databases (gnomAD no frequency). This variant has not been reported in the literature in individuals affected with SIK1-related conditions. ClinVar contains an entry for this variant (Variation ID: 1470063). In summary, the available evidence is currently insufficient to determine the role of this variant in disease. Therefore, it has been classified as a Variant of Uncertain Significance.

NM_173354.5(SIK1):c.700C>T (p.Gln234Ter)

Gene: SIK1 (salt inducible kinase 1; minus strand). Cytogenetic location: 21q22.3.
Variant type: single nucleotide variant.
Coding change: c.700C>T on transcript NM_173354.5 (MANE Select); coding-DNA position 700, C replaced by T.
Protein change: p.Gln234Ter; replaces glutamine 234 with a stop codon.
Molecular consequence: nonsense.
Genome position (GRCh38, 1-based): chr21:43,421,058, G>A on the plus strand (C>T on the coding strand, the complement: SIK1 is on the minus strand). VCF-style: chr21-43421058-G-A. GRCh37 (hg19) VCF-style: chr21-44840938-G-A.
Other names: short protein forms Q234*.
Identifiers: ClinVar variation 1470063 (VCV001470063.6), dbSNP rs2146473267, ClinGen allele CA410609602.